The following is an entry in ClinVar:

NM_001291415.2(KDM6A):c.3096C>T (p.Asp1032=)

Gene: KDM6A (lysine demethylase 6A; plus strand). Cytogenetic location: Xp11.3.
Variant type: single nucleotide variant.
Coding change: c.3096C>T on transcript NM_001291415.2 (MANE Select); coding-DNA position 3096, C replaced by T.
Protein change: p.Asp1032=; no amino-acid change (aspartic acid 1032 retained).
Molecular consequence: synonymous variant. On other transcripts: non-coding transcript variant (1).
Genome position (GRCh38, 1-based): chrX:45,079,147, C>T. VCF-style: chrX-45079147-C-T. GRCh37 (hg19) VCF-style: chrX-44938392-C-T.
Other names: c.2961C>T, p.Asp987= (NM_001291416.2); c.2805C>T, p.Asp935= (NM_001291417.2); c.2703C>T, p.Asp901= (NM_001291418.2); c.2052C>T, p.Asp684= (NM_001291421.2); c.2940C>T, p.Asp980= (NM_021140.4).
Identifiers: ClinVar variation 1312995 (VCV001312995.2), dbSNP rs2148117698, ClinGen allele CA515977128.

ClinVar aggregate classification (germline): Uncertain significance (1 of 4 stars; one submission).

Submission:

GeneDx
Classification: Uncertain significance. Last evaluated: 2020-07-21. Review status: criteria provided, single submitter. Criteria: GeneDx Variant Classification Process June 2021. Collection method: clinical testing. Allele origin: germline. Affected: yes.
Comment: Not observed in large population cohorts (Lek et al., 2016); In-silico analysis, which includes splice predictors and evolutionary conservation, is inconclusive as to whether the variant alters gene splicing. In the absence of RNA/functional studies, the actual effect of this sequence change is unknown.; Has not been previously published as pathogenic or benign to our knowledge